The following is an entry in ClinVar:

NM_014112.5(TRPS1):c.1654G>C (p.Asp552His)

Gene: TRPS1 (transcriptional repressor GATA binding 1; minus strand). Cytogenetic location: 8q23.3.
Variant type: single nucleotide variant.
Coding change: c.1654G>C on transcript NM_014112.5 (MANE Select); coding-DNA position 1654, G replaced by C.
Protein change: p.Asp552His; replaces aspartic acid 552 with histidine.
Molecular consequence: missense variant.
Genome position (GRCh38, 1-based): chr8:115,604,315, C>G on the plus strand (G>C on the coding strand, the complement: TRPS1 is on the minus strand). VCF-style: chr8-115604315-C-G. GRCh37 (hg19) VCF-style: chr8-116616542-C-G.
Other names: c.1627G>C, p.Asp543His (NM_001282902.3); c.1633G>C, p.Asp545His (NM_001282903.3); c.1615G>C, p.Asp539His (NM_001330599.2); short protein forms D539H, D552H, D543H, D545H.
Identifiers: ClinVar variation 2057743 (VCV002057743.4), dbSNP rs2536889732, ClinGen allele CA372066916.

ClinVar aggregate classification (germline): Uncertain significance (1 of 4 stars; one submission).

Conditions:
Trichorhinophalangeal syndrome, type III (TRPS3). Also called: SUGIO-KAJII SYNDROME. Identifiers: Orphanet 77258, MedGen C1860823, OMIM 190351, MONDO:0008597.
Trichorhinophalangeal dysplasia type I (TRPS1). Also called: TRPS I; TRICHORHINOPHALANGEAL SYNDROME, TYPE I. Identifiers: Orphanet 77258, MedGen C0432233, MONDO:0008596, OMIM 190350.

Submission:

Labcorp Genetics (formerly Invitae), Labcorp
Classification: Uncertain significance for Trichorhinophalangeal syndrome, type III; Trichorhinophalangeal dysplasia type I. Last evaluated: 2024-01-02. Review status: criteria provided, single submitter. Criteria: Invitae Variant Classification Sherloc (09022015). Collection method: clinical testing. Allele origin: germline.
Comment: This sequence change replaces aspartic acid, which is acidic and polar, with histidine, which is basic and polar, at codon 552 of the TRPS1 protein (p.Asp552His). This variant is not present in population databases (gnomAD no frequency). This variant has not been reported in the literature in individuals affected with TRPS1-related conditions. ClinVar contains an entry for this variant (Variation ID: 2057743). Advanced modeling of protein sequence and biophysical properties (such as structural, functional, and spatial information, amino acid conservation, physicochemical variation, residue mobility, and thermodynamic stability) performed at Invitae indicates that this missense variant is not expected to disrupt TRPS1 protein function with a negative predictive value of 80%. In summary, the available evidence is currently insufficient to determine the role of this variant in disease. Therefore, it has been classified as a Variant of Uncertain Significance.